The following is an entry in ClinVar:

ClinVar aggregate classification (germline): Uncertain significance (1 of 4 stars; one submission).

Allele frequency attached by ClinVar (database versions not stated): gnomAD 0.00001; gnomAD exomes 0.00001; ExAC 0.00007; 1000 Genomes Project 30x 0.00016; 1000 Genomes Project 0.00020.
gnomAD v4.1: 22 of 1,614,082 alleles (0.0014%); highest among the groups gnomAD compares: South Asian, 0.023%; no homozygotes.

Submission:

Labcorp Genetics (formerly Invitae), Labcorp
Classification: Uncertain significance. Last evaluated: 2025-01-15. Review status: criteria provided, single submitter. Criteria: Invitae Variant Classification Sherloc (09022015). Collection method: clinical testing. Allele origin: germline.
Comment: This sequence change replaces threonine, which is neutral and polar, with isoleucine, which is neutral and non-polar, at codon 244 of the REPS1 protein (p.Thr244Ile). This variant is present in population databases (rs572715152, gnomAD 0.05%). This variant has not been reported in the literature in individuals affected with REPS1-related conditions. ClinVar contains an entry for this variant (Variation ID: 2056843). Invitae Evidence Modeling of protein sequence and biophysical properties (such as structural, functional, and spatial information, amino acid conservation, physicochemical variation, residue mobility, and thermodynamic stability) indicates that this missense variant is not expected to disrupt REPS1 protein function with a negative predictive value of 80%. In summary, the available evidence is currently insufficient to determine the role of this variant in disease. Therefore, it has been classified as a Variant of Uncertain Significance.

NM_001286611.2(REPS1):c.731C>T (p.Thr244Ile)

Gene: REPS1 (RALBP1 associated Eps domain containing 1; minus strand). Cytogenetic location: 6q24.1.
Variant type: single nucleotide variant.
Coding change: c.731C>T on transcript NM_001286611.2 (MANE Select); coding-DNA position 731, C replaced by T.
Protein change: p.Thr244Ile; replaces threonine 244 with isoleucine.
Molecular consequence: missense variant.
Genome position (GRCh38, 1-based): chr6:138,944,520, G>A on the plus strand (C>T on the coding strand, the complement: REPS1 is on the minus strand). VCF-style: chr6-138944520-G-A. GRCh37 (hg19) VCF-style: chr6-139265657-G-A.
Other names: c.731C>T, p.Thr244Ile (NM_001128617.3, NM_001286612.2, NM_031922.5); short protein forms T244I.
Identifiers: ClinVar variation 2056843 (VCV002056843.4), dbSNP rs572715152, ClinGen allele CA4024380.